The following is an entry in ClinVar:

ClinVar aggregate classification (germline): Uncertain significance (1 of 4 stars; one submission).

Allele frequency attached by ClinVar (database versions not stated): gnomAD 0.00002; TOPMed 0.00002; ExAC 0.00003.
gnomAD v4.1: 52 of 1,613,548 alleles (0.0032%); highest among the groups gnomAD compares: Middle Eastern, 0.033%; no homozygotes.

Submission:

Labcorp Genetics (formerly Invitae), Labcorp
Classification: Uncertain significance. Last evaluated: 2024-05-01. Review status: criteria provided, single submitter. Criteria: Invitae Variant Classification Sherloc (09022015). Collection method: clinical testing. Allele origin: germline.
Comment: This sequence change replaces valine, which is neutral and non-polar, with isoleucine, which is neutral and non-polar, at codon 570 of the ABCD3 protein (p.Val570Ile). This variant is present in population databases (rs772059880, gnomAD 0.008%). This variant has not been reported in the literature in individuals affected with ABCD3-related conditions. ClinVar contains an entry for this variant (Variation ID: 2167875). An algorithm developed to predict the effect of missense changes on protein structure and function (PolyPhen-2) suggests that this variant is likely to be disruptive. In summary, the available evidence is currently insufficient to determine the role of this variant in disease. Therefore, it has been classified as a Variant of Uncertain Significance.

NM_002858.4(ABCD3):c.1708G>A (p.Val570Ile)

Gene: ABCD3 (ATP binding cassette subfamily D member 3; plus strand). Cytogenetic location: 1p21.3.
Variant type: single nucleotide variant.
Coding change: c.1708G>A on transcript NM_002858.4 (MANE Select); coding-DNA position 1708, G replaced by A.
Protein change: p.Val570Ile; replaces valine 570 with isoleucine.
Molecular consequence: missense variant.
Genome position (GRCh38, 1-based): chr1:94,499,582, G>A. VCF-style: chr1-94499582-G-A. GRCh37 (hg19) VCF-style: chr1-94965138-G-A.
Other names: short protein forms V570I.
Identifiers: ClinVar variation 2167875 (VCV002167875.4), dbSNP rs772059880, ClinGen allele CA960516.